The following is an entry in ClinVar:

ClinVar aggregate classification (germline): Pathogenic/Likely pathogenic. Review status: criteria provided, multiple submitters, no conflicts (2 of 4 stars). 3 submissions from 3 submitters: Pathogenic (1); Likely pathogenic (2). Last evaluated 2022-07-15.

Conditions:
Usher syndrome type 1G. Also called: USHER SYNDROME, TYPE IG, MILD. Identifiers: Orphanet 231169, Orphanet 886, MedGen C1847089, MONDO:0011748, OMIM 606943.
USH1G-related disorder. Also called: USH1G-related condition; USH1G-related disorders.

gnomAD v4.1: 8 of 1,613,698 alleles (0.0005%); highest among the groups gnomAD compares: Non-Finnish European, 0.00068%; no homozygotes.

Submissions (3):

Blueprint Genetics
Classification: Likely pathogenic for USH1G-related disorders. Last evaluated: 2022-07-15. Review status: criteria provided, single submitter. Criteria: ACMG Guidelines, 2015. Collection method: clinical testing. Allele origin: germline. Affected: yes. Observed: 2 variant alleles.

Fulgent Genetics
Classification: Likely pathogenic for Usher syndrome type 1G. Last evaluated: 2021-09-17. Review status: criteria provided, single submitter. Criteria: ACMG Guidelines, 2015. Collection method: clinical testing. Allele origin: unknown.

GeneDx
Classification: Pathogenic. Last evaluated: 2021-09-03. Review status: criteria provided, single submitter. Criteria: GeneDx Variant Classification Process June 2021. Collection method: clinical testing. Allele origin: germline. Affected: yes.
Comment: Nonsense variant predicted to result in protein truncation or nonsense mediated decay in a gene for which loss-of-function is a known mechanism of disease; Not observed at significant frequency in large population cohorts (Lek et al., 2016); Has not been previously published as pathogenic or benign to our knowledge

NM_173477.5(USH1G):c.191G>A (p.Trp64Ter)

Gene: USH1G (USH1 protein network component sans; minus strand). Cytogenetic location: 17q25.1.
Variant type: single nucleotide variant.
Coding change: c.191G>A on transcript NM_173477.5 (MANE Select); coding-DNA position 191, G replaced by A.
Protein change: p.Trp64Ter; replaces tryptophan 64 with a stop codon.
Molecular consequence: nonsense. On other transcripts: intron variant (1).
Genome position (GRCh38, 1-based): chr17:74,920,645, C>T on the plus strand (G>A on the coding strand, the complement: USH1G is on the minus strand). VCF-style: chr17-74920645-C-T. GRCh37 (hg19) VCF-style: chr17-72916740-C-T.
Other names: c.-92-27G>A (NM_001282489.3); short protein forms W64*.
Identifiers: ClinVar variation 1254706 (VCV001254706.4), dbSNP rs928656346, ClinGen allele CA293985048.